The following is an entry in ClinVar:

NM_000465.4(BARD1):c.2260A>C (p.Lys754Gln)

Gene: BARD1 (BRCA1 associated RING domain 1; minus strand). Cytogenetic location: 2q35.
Variant type: single nucleotide variant.
Coding change: c.2260A>C on transcript NM_000465.4 (MANE Select); coding-DNA position 2260, A replaced by C.
Protein change: p.Lys754Gln; replaces lysine 754 with glutamine.
Molecular consequence: missense variant. On other transcripts: non-coding transcript variant (3).
Genome position (GRCh38, 1-based): chr2:214,728,750, T>G on the plus strand (A>C on the coding strand, the complement: BARD1 is on the minus strand). VCF-style: chr2-214728750-T-G. GRCh37 (hg19) VCF-style: chr2-215593474-T-G.
Other names: c.2203A>C, p.Lys735Gln (NM_001282543.2); c.907A>C, p.Lys303Gln (NM_001282545.2); c.850A>C, p.Lys284Gln (NM_001282548.2); c.721A>C, p.Lys241Gln (NM_001282549.2); short protein forms K241Q, K754Q, K284Q, K303Q, K735Q.
Identifiers: ClinVar variation 3820424 (VCV003820424.1).
Genomic context (GRCh38, chr2:214,728,750, plus strand): 5'-GAAGCAACTCAAAGGACATCACACAGTCTATAAACCAGCTCGAAGGAGCCTTCCAGACTT[T>G]GCCCTGCCGAACCCTCTCTGGGTGATAATTACACAAATCTTCATAGATGATATACTGTGT-3'
Protein context (NP_000456.2, residues 744-764): NYHPERVRQG[Lys754Gln]VWKAPSSWFI

ClinVar aggregate classification (germline): Uncertain significance (1 of 4 stars; one submission).

Conditions:
Hereditary cancer-predisposing syndrome. Also called: Hereditary neoplastic syndrome; Neoplastic Syndromes, Hereditary; Tumor predisposition; Hereditary Cancer Syndrome. Identifiers: Orphanet 140162, MedGen C0027672, MeSH D009386, MONDO:0015356.

gnomAD v4.1: 1 of 1,614,222 alleles (0.000062%); highest among the groups gnomAD compares: South Asian, 0.0011%; no homozygotes.

Submission:

Ambry Genetics
Classification: Uncertain significance for Hereditary cancer-predisposing syndrome. Last evaluated: 2024-12-13. Review status: criteria provided, single submitter. Criteria: Ambry Variant Classification Scheme 2023. Collection method: clinical testing. Allele origin: germline.
Comment: The p.K754Q variant (also known as c.2260A>C), located in coding exon 11 of the BARD1 gene, results from an A to C substitution at nucleotide position 2260. The lysine at codon 754 is replaced by glutamine, an amino acid with similar properties. This amino acid position is conserved. In addition, the in silico prediction for this alteration is inconclusive. Based on the available evidence, the clinical significance of this variant remains unclear.